The following is an entry in ClinVar:

ClinVar aggregate classification (germline): Uncertain significance. Review status: criteria provided, multiple submitters, no conflicts (2 of 4 stars). 2 submissions from 2 submitters: Uncertain significance (2). Last evaluated 2025-07-07.

Conditions:
Intellectual developmental disorder, autosomal dominant 1. Also called: Intellectual disability, autosomal dominant 1; MBD5 Haploinsufficiency. Identifiers: Orphanet 228402, MedGen C1969562, MONDO:0007974, OMIM 156200.

Allele frequency attached by ClinVar (database versions not stated): TOPMed 0.00002; ExAC 0.00001; gnomAD 0.00001; gnomAD exomes 0.00001 and 0.00002.
gnomAD v4.1: 19 of 1,613,498 alleles (0.0012%); highest among the groups gnomAD compares: South Asian, 0.0055%; no homozygotes.

Submissions (2):

Labcorp Genetics (formerly Invitae), Labcorp
Classification: Uncertain significance for Intellectual developmental disorder, autosomal dominant 1. Last evaluated: 2025-07-07. Review status: criteria provided, single submitter. Criteria: Invitae Variant Classification Sherloc (09022015). Collection method: clinical testing. Allele origin: germline.
Comment: This sequence change replaces arginine, which is basic and polar, with histidine, which is basic and polar, at codon 28 of the MBD5 protein (p.Arg28His). This variant is present in population databases (rs201699340, gnomAD 0.006%). This variant has not been reported in the literature in individuals affected with MBD5-related conditions. ClinVar contains an entry for this variant (Variation ID: 1057905). Invitae Evidence Modeling of protein sequence and biophysical properties (such as structural, functional, and spatial information, amino acid conservation, physicochemical variation, residue mobility, and thermodynamic stability) indicates that this missense variant is not expected to disrupt MBD5 protein function with a negative predictive value of 80%. In summary, the available evidence is currently insufficient to determine the role of this variant in disease. Therefore, it has been classified as a Variant of Uncertain Significance.

Blueprint Genetics
Classification: Uncertain significance. Last evaluated: 2023-05-23. Review status: criteria provided, single submitter. Criteria: ACMG Guidelines, 2015. Collection method: clinical testing. Allele origin: germline.

NM_001378120.1(MBD5):c.83G>A (p.Arg28His)

Gene: MBD5 (methyl-CpG binding domain protein 5; plus strand). Cytogenetic location: 2q23.1.
Variant type: single nucleotide variant.
Coding change: c.83G>A on transcript NM_001378120.1 (MANE Select); coding-DNA position 83, G replaced by A.
Protein change: p.Arg28His; replaces arginine 28 with histidine.
Molecular consequence: missense variant.
Genome position (GRCh38, 1-based): chr2:148,458,841, G>A. VCF-style: chr2-148458841-G-A. GRCh37 (hg19) VCF-style: chr2-149216410-G-A.
Other names: c.83G>A, p.Arg28His (NM_018328.5); short protein forms R28H.
Identifiers: ClinVar variation 1057905 (VCV001057905.10), dbSNP rs201699340, ClinGen allele CA1899810.
Genomic context (GRCh38, chr2:148,458,841, plus strand): 5'-ACGGAGGGGACAAGGAAGGAGGTCTTCCAGCTATACAAGTTCCTGTGGGTTGGCAGCGTC[G>A]TGTGGATCAAAATGGAGTGCTTTATGTCAGGTAAGTTCTTATTATTACCTGTGGTACCTG-3'
Protein context (NP_001365049.1, residues 18-38): AIQVPVGWQR[Arg28His]VDQNGVLYVS